The following is an entry in ClinVar:

NM_005188.4(CBL):c.*7978A>G

Gene: CBL (Cbl proto-oncogene; plus strand). Cytogenetic location: 11q23.3.
Variant type: single nucleotide variant.
Coding change: c.*7978A>G on transcript NM_005188.4 (MANE Select); 7978 bases downstream of the stop codon, A replaced by G.
Molecular consequence: 3 prime UTR variant.
Genome position (GRCh38, 1-based): chr11:119,307,759, A>G. VCF-style: chr11-119307759-A-G. GRCh37 (hg19) VCF-style: chr11-119178469-A-G.
Identifiers: ClinVar variation 302911 (VCV000302911.5), dbSNP rs2511836, ClinGen allele CA10630064.

ClinVar aggregate classification (germline): Benign (1 of 4 stars; one submission).

Conditions:
CBL-related disorder. Also called: NOONAN SYNDROME-LIKE DISORDER WITHOUT JUVENILE MYELOMONOCYTIC LEUKEMIA; CBL MUTATION-ASSOCIATED SYNDROME; CBL SYNDROME. Identifiers: Orphanet 363972, MedGen C3150803, MONDO:0013308, OMIM 613563.

Allele frequency attached by ClinVar (database versions not stated): gnomAD exomes 0.00584; gnomAD 0.02820 and 0.03043; 1000 Genomes Project 30x 0.03107; 1000 Genomes Project 0.03115; TOPMed 0.03297.
gnomAD v4.1: 4,682 of 219,844 alleles (2.1%); highest among the groups gnomAD compares: African/African-American, 9.7%; 246 homozygotes.

Submission:

Illumina Laboratory Services, Illumina
Classification: Benign for CBL-related disorder. Last evaluated: 2018-01-13. Review status: criteria provided, single submitter. Criteria: ICSL Variant Classification Criteria 13 December 2019. Collection method: clinical testing. Allele origin: germline.
Comment: This variant was observed in the ICSL laboratory as part of a predisposition screen in an ostensibly healthy population. It had not been previously curated by ICSL or reported in the Human Gene Mutation Database (HGMD: prior to June 1st, 2018), and was therefore a candidate for classification through an automated scoring system. Utilizing variant allele frequency, disease prevalence and penetrance estimates, and inheritance mode, an automated score was calculated to assess if this variant is too frequent to cause the disease. Based on the score and internal cut-off values, a variant classified as benign is not then subjected to further curation. The score for this variant resulted in a classification of benign for this disease.